The following is an entry in ClinVar:

NM_000383.4(AIRE):c.1603A>G (p.Ser535Gly)

Gene: AIRE (autoimmune regulator; plus strand). Cytogenetic location: 21q22.3.
Variant type: single nucleotide variant.
Coding change: c.1603A>G on transcript NM_000383.4 (MANE Select); coding-DNA position 1603, A replaced by G.
Protein change: p.Ser535Gly; replaces serine 535 with glycine.
Molecular consequence: missense variant.
Genome position (GRCh38, 1-based): chr21:44,297,692, A>G. VCF-style: chr21-44297692-A-G. GRCh37 (hg19) VCF-style: chr21-45717575-A-G.
Other names: short protein forms S535G.
Identifiers: ClinVar variation 3610341 (VCV003610341.2).

ClinVar aggregate classification (germline): Uncertain significance (1 of 4 stars; one submission).

Conditions:
Polyglandular autoimmune syndrome, type 1 (APS1). Also called: AUTOIMMUNE POLYENDOCRINE SYNDROME, TYPE I, WITH OR WITHOUT REVERSIBLE METAPHYSEAL DYSPLASIA; APS I; Autoimmune polyendocrine syndrome type 1; Autoimmune polyendocrinopathy syndrome, type I; Autoimmune polyendocrinopathy syndrome , type I, with or without reversible metaphyseal dysplasia; Whitaker syndrome. Identifiers: Orphanet 3453, MedGen C0085859, MONDO:0009411, OMIM 240300.

Submission:

Labcorp Genetics (formerly Invitae), Labcorp
Classification: Uncertain significance for Polyglandular autoimmune syndrome, type 1. Last evaluated: 2025-01-23. Review status: criteria provided, single submitter. Criteria: Invitae Variant Classification Sherloc (09022015). Collection method: clinical testing. Allele origin: germline.
Comment: This sequence change replaces serine, which is neutral and polar, with glycine, which is neutral and non-polar, at codon 535 of the AIRE protein (p.Ser535Gly). This variant is present in population databases (no rsID available, gnomAD 0.0009%). This variant has not been reported in the literature in individuals affected with AIRE-related conditions. Invitae Evidence Modeling of protein sequence and biophysical properties (such as structural, functional, and spatial information, amino acid conservation, physicochemical variation, residue mobility, and thermodynamic stability) has been performed for this missense variant. However, the output from this modeling did not meet the statistical confidence thresholds required to predict the impact of this variant on AIRE protein function. In summary, the available evidence is currently insufficient to determine the role of this variant in disease. Therefore, it has been classified as a Variant of Uncertain Significance.